The following is an entry in ClinVar:

NM_000352.6(ABCC8):c.1937_1938del (p.Val646fs)

Gene: ABCC8 (ATP binding cassette subfamily C member 8; minus strand). Cytogenetic location: 11p15.1.
Variant type: Microsatellite.
Coding change: c.1937_1938del on transcript NM_000352.6 (MANE Select); coding-DNA positions 1937 to 1938, 2 bases deleted (TG; older notation c.1937_1938delTG).
Protein change: p.Val646fs; shifts the reading frame from valine 646.
Molecular consequence: frameshift variant. On other transcripts: non-coding transcript variant (1).
Genome position (GRCh38, 1-based): chr11:17,428,391-17,428,392, CA deleted on the plus strand (TG on the coding strand, the reverse complement: ABCC8 is on the minus strand); deleting any 2 consecutive bases within chr11:17,428,391-17,428,394 gives the same sequence; the c. name uses the placement nearest the transcript's 3' end. VCF-style (leftmost placement, unchanged base first): chr11-17428390-TCA-T. GRCh37 (hg19) VCF-style: chr11-17449937-TCA-T.
Other names: c.1937_1938del, p.Val646fs (NM_001287174.3); c.2003_2004del, p.Val668fs (NM_001351295.2); c.1934_1935del, p.Val645fs (NM_001351296.2, NM_001351297.2); short protein forms V645fs, V646fs, V668fs.
Identifiers: ClinVar variation 5015124 (VCV005015124.1).

ClinVar aggregate classification (germline): Pathogenic (1 of 4 stars; one submission).

Conditions:
Hyperinsulinemic hypoglycemia, familial, 1 (HHF1). Also called: HYPERINSULINISM, FAMILIAL, WITH PANCREATIC NESIDIOBLASTOSIS; HYPOGLYCEMIA, HYPERINSULINEMIC, OF INFANCY; NESIDIOBLASTOSIS OF PANCREAS; Persistent Hyperinsulinemia Hypoglycemia of Infancy; Persistent hyperinsulinemic hypoglycemia of infancy. Identifiers: Orphanet 276575, Orphanet 276598, MedGen C2931832, MONDO:0009734, OMIM 256450.

Submission:

Myriad Genetics, Inc.
Classification: Pathogenic for Hyperinsulinemic hypoglycemia, familial, 1. Last evaluated: 2025-03-11. Review status: criteria provided, single submitter. Criteria: Myriad Autosomal Dominant, Autosomal Recessive and X-Linked Classification Criteria (2023). Collection method: clinical testing. Allele origin: unknown.
Comment: NM_000352.3(ABCC8):c.1937_1938delTG(V646Efs*29) is expected to be pathogenic in the context of familial hyperinsulinism, ABCC8-related. This variant is predicted to lead to an abnormal or absent protein product due to the creation of a premature termination codon in ABCC8, a gene where loss-of-function variants are known to be pathogenic. Please note: this variant was assessed in the context of healthy population screening.